The following is an entry in ClinVar:

ClinVar aggregate classification (germline): Uncertain significance (1 of 4 stars; one submission).

gnomAD v4.1: 1 of 1,611,670 alleles (0.000062%); highest among the groups gnomAD compares: South Asian, 0.0011%; no homozygotes.

Submission:

Ambry Genetics
Classification: Uncertain significance. Last evaluated: 2025-01-20. Review status: criteria provided, single submitter. Criteria: Ambry Variant Classification Scheme 2023. Collection method: clinical testing. Allele origin: germline.
Comment: The p.P101L variant (also known as c.302C>T), located in coding exon 2 of the RNF43 gene, results from a C to T substitution at nucleotide position 302. The proline at codon 101 is replaced by leucine, an amino acid with similar properties. This amino acid position is conserved. In addition, this alteration is predicted to be tolerated by in silico analysis. Based on the available evidence, the clinical significance of this variant remains unclear.

NM_017763.6(RNF43):c.302C>T (p.Pro101Leu)

Gene: RNF43 (ring finger protein 43; minus strand). Cytogenetic location: 17q22.
Variant type: single nucleotide variant.
Coding change: c.302C>T on transcript NM_017763.6 (MANE Select); coding-DNA position 302, C replaced by T.
Protein change: p.Pro101Leu; replaces proline 101 with leucine.
Molecular consequence: missense variant.
Genome position (GRCh38, 1-based): chr17:58,370,984, G>A on the plus strand (C>T on the coding strand, the complement: RNF43 is on the minus strand). VCF-style: chr17-58370984-G-A. GRCh37 (hg19) VCF-style: chr17-56448345-G-A.
Other names: c.302C>T, p.Pro101Leu (NM_001305544.3); c.-80C>T (NM_001305545.2); short protein forms P101L.
Identifiers: ClinVar variation 3789912 (VCV003789912.1).